The following is an entry in ClinVar:

NM_139027.6(ADAMTS13):c.3527G>A (p.Ser1176Asn)

Gene: ADAMTS13 (ADAM metallopeptidase with thrombospondin type 1 motif 13; plus strand). Cytogenetic location: 9q34.2.
Variant type: single nucleotide variant.
Coding change: c.3527G>A on transcript NM_139027.6 (MANE Select); coding-DNA position 3527, G replaced by A.
Protein change: p.Ser1176Asn; replaces serine 1176 with asparagine.
Molecular consequence: missense variant. On other transcripts: non-coding transcript variant (1).
Genome position (GRCh38, 1-based): chr9:133,456,195, G>A. VCF-style: chr9-133456195-G-A. GRCh37 (hg19) VCF-style: chr9-136321317-G-A.
Other names: c.3695G>A, p.Ser1232Asn (NM_139025.5); c.3434G>A, p.Ser1145Asn (NM_139026.6); short protein forms S1232N, S1176N, S1145N.
Identifiers: ClinVar variation 2067919 (VCV002067919.4), dbSNP rs782143486, ClinGen allele CA200944864.

ClinVar aggregate classification (germline): Uncertain significance (1 of 4 stars; one submission).

Allele frequency attached by ClinVar (database versions not stated): ExAC 0.00001; gnomAD exomes 0.00001.
gnomAD v4.1: 13 of 1,613,578 alleles (0.00081%); highest among the groups gnomAD compares: African/African-American, 0.0013%; no homozygotes.

Submission:

Labcorp Genetics (formerly Invitae), Labcorp
Classification: Uncertain significance. Last evaluated: 2022-04-28. Review status: criteria provided, single submitter. Criteria: Invitae Variant Classification Sherloc (09022015). Collection method: clinical testing. Allele origin: germline.
Comment: Algorithms developed to predict the effect of missense changes on protein structure and function are either unavailable or do not agree on the potential impact of this missense change (SIFT: "Deleterious"; PolyPhen-2: "Possibly Damaging"; Align-GVGD: "Class C0"). This sequence change replaces serine, which is neutral and polar, with asparagine, which is neutral and polar, at codon 1232 of the ADAMTS13 protein (p.Ser1232Asn). This variant is present in population databases (rs782143486, gnomAD 0.0009%). This variant has not been reported in the literature in individuals affected with ADAMTS13-related conditions. In summary, the available evidence is currently insufficient to determine the role of this variant in disease. Therefore, it has been classified as a Variant of Uncertain Significance.